The following is an entry in ClinVar:

NM_001374736.1(DST):c.14392C>T (p.Pro4798Ser)

Gene: DST (dystonin; minus strand). Cytogenetic location: 6p12.1.
Variant type: single nucleotide variant.
Coding change: c.14392C>T on transcript NM_001374736.1 (MANE Select); coding-DNA position 14392, C replaced by T.
Protein change: p.Pro4798Ser; replaces proline 4798 with serine.
Molecular consequence: missense variant.
Genome position (GRCh38, 1-based): chr6:56,560,342, G>A on the plus strand (C>T on the coding strand, the complement: DST is on the minus strand). VCF-style: chr6-56560342-G-A. GRCh37 (hg19) VCF-style: chr6-56425140-G-A.
Other names: c.8035C>T, p.Pro2679Ser (NM_001144769.5); c.7621C>T, p.Pro2541Ser (NM_001144770.2); c.14392C>T, p.Pro4798Ser (NM_001374722.1); c.13759C>T, p.Pro4587Ser (NM_001374729.1); c.7501C>T, p.Pro2501Ser (NM_001374730.1, NM_183380.4); c.14419C>T, p.Pro4807Ser (NM_001374734.1); c.6523C>T, p.Pro2175Ser (NM_015548.5); short protein forms P2175S, P2501S, P2541S, P4807S, P2679S, P4587S, P4798S.
Identifiers: ClinVar variation 968212 (VCV000968212.9), dbSNP rs372505269, ClinGen allele CA364521869.

ClinVar aggregate classification (germline): Uncertain significance. Review status: criteria provided, multiple submitters, no conflicts (2 of 4 stars). 2 submissions from 2 submitters: Uncertain significance (2). Last evaluated 2022-08-12.

Conditions:
Hereditary sensory and autonomic neuropathy type 6. Also called: Neuropathy, hereditary sensory and autonomic, type VI; HSAN VI. Identifiers: Orphanet 314381, MedGen C3539003, MONDO:0013839, OMIM 614653.
Epidermolysis bullosa simplex 3, localized or generalized intermediate, with BP230 deficiency (EBS3). Also called: Epidermolysis bullosa simplex, autosomal recessive 2; Epidermolysis bullosa simplex due to BP230 deficiency. Identifiers: Orphanet 412181, MedGen C3809470, MONDO:0014180, OMIM 615425.
Inborn genetic diseases. Identifiers: MedGen C0950123, MeSH D030342.

gnomAD v4.1: 20 of 1,610,454 alleles (0.0012%); highest among the groups gnomAD compares: Non-Finnish European, 0.0016%; no homozygotes.

Submissions (2):

Labcorp Genetics (formerly Invitae), Labcorp
Classification: Uncertain significance for Epidermolysis bullosa simplex 3, localized or generalized intermediate, with BP230 deficiency; Hereditary sensory and autonomic neuropathy type 6. Last evaluated: 2022-08-12. Review status: criteria provided, single submitter. Criteria: Invitae Variant Classification Sherloc (09022015). Collection method: clinical testing. Allele origin: germline.
Comment: The DST gene has multiple clinically relevant transcripts. This variant occurs in alternate transcript NM_015548.4, and corresponds to NM_001723.5:c.*55175C>T in the primary transcript. This sequence change replaces proline, which is neutral and non-polar, with serine, which is neutral and polar, at codon 2175 of the DST protein (p.Pro2175Ser). The frequency data for this variant in the population databases is considered unreliable, as metrics indicate poor data quality at this position in the gnomAD database. This variant has not been reported in the literature in individuals affected with DST-related conditions. Experimental studies and prediction algorithms are not available or were not evaluated, and the functional significance of this variant is currently unknown. In summary, the available evidence is currently insufficient to determine the role of this variant in disease. Therefore, it has been classified as a Variant of Uncertain Significance.

Ambry Genetics
Classification: Uncertain significance for Inborn genetic diseases. Last evaluated: 2019-12-02. Review status: criteria provided, single submitter. Criteria: Ambry Variant Classification Scheme 2023. Collection method: clinical testing. Allele origin: germline.
Comment: The p.P2679S variant (also known as c.8035C>T), located in coding exon 52 of the DST gene, results from a C to T substitution at nucleotide position 8035. The proline at codon 2679 is replaced by serine, an amino acid with similar properties. This amino acid position is highly conserved in available vertebrate species. In addition, the in silico prediction for this alteration is inconclusive. Since supporting evidence is limited at this time, the clinical significance of this alteration remains unclear.